The following is an entry in ClinVar:

ClinVar aggregate classification (germline): Uncertain significance (1 of 4 stars; one submission).

Conditions:
Peutz-Jeghers syndrome (PJS). Also called: Peutz-Jeghers polyposis; Periorificial lentiginosis syndrome; POLYPOSIS, HAMARTOMATOUS INTESTINAL; POLYPS-AND-SPOTS SYNDROME. Identifiers: Orphanet 2869, MedGen C0031269, MeSH D010580, MONDO:0008280, OMIM 175200.

Submission:

Labcorp Genetics (formerly Invitae), Labcorp
Classification: Uncertain significance for Peutz-Jeghers syndrome. Last evaluated: 2020-01-14. Review status: criteria provided, single submitter. Criteria: Invitae Variant Classification Sherloc (09022015). Collection method: clinical testing. Allele origin: germline.
Comment: In summary, the available evidence is currently insufficient to determine the role of this variant in disease. Therefore, it has been classified as a Variant of Uncertain Significance. Algorithms developed to predict the effect of missense changes on protein structure and function (SIFT, PolyPhen-2, Align-GVGD) all suggest that this variant is likely to be disruptive, but these predictions have not been confirmed by published functional studies and their clinical significance is uncertain. This variant has not been reported in the literature in individuals with STK11-related conditions. This variant is not present in population databases (ExAC no frequency). This sequence change replaces tyrosine with serine at codon 246 of the STK11 protein (p.Tyr246Ser). The tyrosine residue is highly conserved and there is a large physicochemical difference between tyrosine and serine.

NM_000455.5(STK11):c.737A>C (p.Tyr246Ser)

Gene: STK11 (serine/threonine kinase 11; plus strand). Cytogenetic location: 19p13.3.
Variant type: single nucleotide variant.
Coding change: c.737A>C on transcript NM_000455.5 (MANE Select); coding-DNA position 737, A replaced by C.
Protein change: p.Tyr246Ser; replaces tyrosine 246 with serine.
Molecular consequence: missense variant.
Genome position (GRCh38, 1-based): chr19:1,221,215, A>C. VCF-style: chr19-1221215-A-C. GRCh37 (hg19) VCF-style: chr19-1221214-A-C.
Other names: short protein forms Y246S.
Identifiers: ClinVar variation 1027199 (VCV001027199.9), dbSNP rs1568709113, ClinGen allele CA402950318.